The following is an entry in ClinVar:

ClinVar aggregate classification (germline): Uncertain significance (1 of 4 stars; one submission).

Allele frequency attached by ClinVar (database versions not stated): gnomAD 0.00008; TOPMed 0.00008; ESP Exome Variant Server 0.00015.
gnomAD v4.1: 26 of 1,611,640 alleles (0.0016%); highest among the groups gnomAD compares: African/African-American, 0.027%; no homozygotes.

Submission:

Labcorp Genetics (formerly Invitae), Labcorp
Classification: Uncertain significance. Last evaluated: 2022-06-27. Review status: criteria provided, single submitter. Criteria: Invitae Variant Classification Sherloc (09022015). Collection method: clinical testing. Allele origin: germline.
Comment: Algorithms developed to predict the effect of missense changes on protein structure and function are either unavailable or do not agree on the potential impact of this missense change (SIFT: "Deleterious"; PolyPhen-2: "Possibly Damaging"; Align-GVGD: "Class C0"). This variant has not been reported in the literature in individuals affected with GUCY2C-related conditions. This variant is present in population databases (rs376325095, gnomAD 0.03%). This sequence change replaces arginine, which is basic and polar, with glutamine, which is neutral and polar, at codon 497 of the GUCY2C protein (p.Arg497Gln). In summary, the available evidence is currently insufficient to determine the role of this variant in disease. Therefore, it has been classified as a Variant of Uncertain Significance.

NM_004963.4(GUCY2C):c.1490G>A (p.Arg497Gln)

Gene: GUCY2C (guanylate cyclase 2C; minus strand). Cytogenetic location: 12p12.3.
Variant type: single nucleotide variant.
Coding change: c.1490G>A on transcript NM_004963.4 (MANE Select); coding-DNA position 1490, G replaced by A.
Protein change: p.Arg497Gln; replaces arginine 497 with glutamine.
Molecular consequence: missense variant.
Genome position (GRCh38, 1-based): chr12:14,652,995, C>T on the plus strand (G>A on the coding strand, the complement: GUCY2C is on the minus strand). VCF-style: chr12-14652995-C-T. GRCh37 (hg19) VCF-style: chr12-14805929-C-T.
Other names: short protein forms R497Q.
Identifiers: ClinVar variation 1908943 (VCV001908943.5), dbSNP rs376325095, ClinGen allele CA6463394.